The following is an entry in ClinVar:

ClinVar aggregate classification (germline): Likely pathogenic. Review status: criteria provided, multiple submitters, no conflicts (2 of 4 stars). 2 submissions from 2 submitters: Likely pathogenic (2). Last evaluated 2017-08-10.

Conditions:
Mitochondrial DNA depletion syndrome 13. Also called: Mitochondrial DNA depletion syndrome 13 (encephalomyopathic type); FBXL4-Related Encephalomyopathic Mitochondrial DNA Depletion Syndrome. Identifiers: Orphanet 369897, MedGen C3809592, MONDO:0014198, OMIM 615471.

Submissions (2):

Wong Mito Lab, Molecular and Human Genetics, Baylor College of Medicine
Classification: Likely pathogenic for Mitochondrial DNA depletion syndrome 13. Last evaluated: 2017-08-10. Review status: criteria provided, single submitter. Criteria: ACMG Guidelines, 2015. Collection method: clinical testing. Allele origin: germline. Affected: yes.
Comment: The NM_012160.4:c.1546_1563del (NP_036292.2:p.Pro516_Ser521del) [GRCH38: NC_000006.12:g.98875556_98875573del] variant in FBXL4 gene is interpretated to be a Likely Pathogenic based on ACMG guidelines (PMID: 25741868). This variant has been reported in PMID:25868664 . This variant meets one or more of the following evidence codes reported in the ACMG-guideline. PM2:This variant is absent in key population databases. PM3:Detected in trans with a pathogenic variant for Mitochondrial DNA depletion syndrome 13 which is a recessive disorder. PP4:Patientâ€™s phenotype or family history is highly specific for FBXL4. PP5:Reputable source(s) suggest that the variant is pathogenic. Based on this evidence code ClinGen Pathogenicity Calculator (PMID:28081714) suggested that the variant is Likely Pathogenic.

Center for Pediatric Genomic Medicine, Children's Mercy Hospital and Clinics
Classification: Likely pathogenic. Last evaluated: 2014-07-30. Review status: criteria provided, single submitter. Criteria: ACMG Guidelines, 2015. Collection method: clinical testing. Allele origin: germline.

Literature cited by the submitters: PubMed 25868664 (cited by Wong Mito Lab, Molecular and Human Genetics, Baylor College of Medicine).

NM_001278716.2(FBXL4):c.1546_1563del (p.Pro516_Ser521del)

Gene: FBXL4 (F-box and leucine rich repeat protein 4; minus strand). Cytogenetic location: 6q16.1.
Variant type: Deletion.
Coding change: c.1546_1563del on transcript NM_001278716.2 (MANE Select); coding-DNA positions 1546 to 1563, 18 bases deleted (CCAACTCTGCAGAGCAGC).
Protein change: p.Pro516_Ser521del.
Molecular consequence: inframe deletion. On other transcripts: non-coding transcript variant (1).
Genome position (GRCh38, 1-based): chr6:98,875,554-98,875,571, GCTGCTCTGCAGAGTTGG deleted on the plus strand (CCAACTCTGCAGAGCAGC on the coding strand, the reverse complement: FBXL4 is on the minus strand); deleting any 18 consecutive bases within chr6:98,875,554-98,875,573 gives the same sequence; the c. name uses the placement nearest the transcript's 3' end. VCF-style (leftmost placement, unchanged base first): chr6-98875553-TGCTGCTCTGCAGAGTTGG-T. GRCh37 (hg19) VCF-style: chr6-99323429-TGCTGCTCTGCAGAGTTGG-T.
Other names: c.1546_1563del, p.Pro516_Ser521del (NM_012160.5).
Identifiers: ClinVar variation 235778 (VCV000235778.2), dbSNP rs878853112, ClinGen allele CA10581427.